The following is an entry in ClinVar:

NM_002510.3(GPNMB):c.49T>C (p.Leu17=)

Gene: GPNMB (glycoprotein nmb; plus strand). Cytogenetic location: 7p15.3.
Variant type: single nucleotide variant.
Coding change: c.49T>C on transcript NM_002510.3 (MANE Select); coding-DNA position 49, T replaced by C.
Protein change: p.Leu17=; no amino-acid change (leucine 17 retained).
Molecular consequence: synonymous variant.
Genome position (GRCh38, 1-based): chr7:23,246,906, T>C. VCF-style: chr7-23246906-T-C. GRCh37 (hg19) VCF-style: chr7-23286525-T-C.
Other names: c.49T>C, p.Leu17= (NM_001005340.2).
Identifiers: ClinVar variation 3042316 (VCV003042316.2), dbSNP rs35519567, ClinGen allele CA4187227.

ClinVar aggregate classification (germline): Benign (0 of 4 stars; one submission).

Conditions:
GPNMB-related disorder. Also called: GPNMB-related condition.

Allele frequency attached by ClinVar (database versions not stated): ExAC 0.01988; ESP Exome Variant Server 0.03360; gnomAD 0.03394; TOPMed 0.03760; 1000 Genomes Project 0.05851; 1000 Genomes Project 30x 0.05903.
gnomAD v4.1: 18,027 of 1,613,584 alleles (1.1%); highest among the groups gnomAD compares: East Asian, 10%; 654 homozygotes.

Submission:

PreventionGenetics, part of Exact Sciences
Classification: Benign for GPNMB-related condition. Last evaluated: 2019-03-27. Review status: no assertion criteria provided. Collection method: clinical testing. Allele origin: germline.
Comment: This variant is classified as benign based on ACMG/AMP sequence variant interpretation guidelines (Richards et al. 2015 PMID: 25741868, with internal and published modifications).